The following continues an entry in ClinVar:

NM_001042492.3(NF1):c.499_502del (p.Cys167fs)

Gene: NF1. ClinVar aggregate classification (germline): Pathogenic. Pathogenic (28). ClinVar aggregate classification (somatic clinical impact): Tier I - Strong.

Submissions 31 to 33 of 33:

Clinical Molecular Genetics Laboratory, Johns Hopkins All Children's Hospital
Classification: Pathogenic for Neurofibromatosis, type 1. Last evaluated: 2014-07-15. Review status: no assertion criteria provided. Collection method: clinical testing. Allele origin: germline. Affected: yes. Not counted in ClinVar's aggregate classification.

Clinical Genetics DNA and cytogenetics Diagnostics Lab, Erasmus MC, Erasmus Medical Center
Classification: Pathogenic. Review status: no assertion criteria provided. Collection method: clinical testing. Allele origin: germline. Affected: yes. Study: VKGL Data-share Consensus. Not counted in ClinVar's aggregate classification.

Diagnostic Laboratory, Department of Genetics, University Medical Center Groningen
Classification: Pathogenic. Review status: no assertion criteria provided. Collection method: clinical testing. Allele origin: germline. Affected: yes. Study: VKGL Data-share Consensus. Not counted in ClinVar's aggregate classification.

Literature cited by the submitters: PubMed 10712197 (cited by Labcorp Genetics (formerly Invitae), Labcorp and Institute for Genomic Medicine (IGM) Clinical Laboratory, Nationwide Children's Hospital); PubMed 23913538 (cited by 3 submitters); PubMed 10543400 (cited by 5 submitters); PubMed 24294391 (cited by 4 submitters); PubMed 1757093 (cited by Dasa); PubMed 1302608 (cited by Dasa); PubMed 34427956 (cited by 3 submitters); PubMed 10726756 (cited by 3 submitters); PubMed 24676424 (cited by Institute for Genomic Medicine (IGM) Clinical Laboratory, Nationwide Children's Hospital and Ambry Genetics); PubMed 24789688 (cited by Institute for Genomic Medicine (IGM) Clinical Laboratory, Nationwide Children's Hospital and Ambry Genetics); PubMed 31370276 (cited by Institute for Genomic Medicine (IGM) Clinical Laboratory, Nationwide Children's Hospital and Mayo Clinic Laboratories, Mayo Clinic); PubMed 30530636 (cited by Mayo Clinic Laboratories, Mayo Clinic and Quest Diagnostics Nichols Institute San Juan Capistrano); PubMed 31533797 (cited by Mayo Clinic Laboratories, Mayo Clinic and The Laboratory of Genetics and Metabolism, Hunan Children’s Hospital); PubMed 31730495 (cited by Mayo Clinic Laboratories, Mayo Clinic); PubMed 33877690 (cited by Mayo Clinic Laboratories, Mayo Clinic); PubMed 34166060 (cited by Institute for Genomic Medicine (IGM) Clinical Laboratory, Nationwide Children's Hospital); PubMed 24436047 (cited by Institute for Genomic Medicine (IGM) Clinical Laboratory, Nationwide Children's Hospital); PubMed 26138366 (cited by Institute for Genomic Medicine (IGM) Clinical Laboratory, Nationwide Children's Hospital); PubMed 21412928 (cited by Institute for Genomic Medicine (IGM) Clinical Laboratory, Nationwide Children's Hospital); PubMed 12807981 (cited by Ambry Genetics and Quest Diagnostics Nichols Institute San Juan Capistrano); PubMed 28152038 (cited by Ambry Genetics); PubMed 17311297 (cited by Quest Diagnostics Nichols Institute San Juan Capistrano); PubMed 17726231 (cited by Quest Diagnostics Nichols Institute San Juan Capistrano); PubMed 11735023 (cited by Quest Diagnostics Nichols Institute San Juan Capistrano); PubMed 9654211 (cited by Quest Diagnostics Nichols Institute San Juan Capistrano); PubMed 27838393 (cited by Quest Diagnostics Nichols Institute San Juan Capistrano); PubMed 31066482 (cited by Quest Diagnostics Nichols Institute San Juan Capistrano); PubMed 18546366 (cited by Quest Diagnostics Nichols Institute San Juan Capistrano).